The following is an entry in ClinVar:

ClinVar aggregate classification (germline): Conflicting classifications of pathogenicity. Review status: criteria provided, conflicting classifications (1 of 4 stars). 6 submissions from 6 submitters: Uncertain significance (1); Benign (1); Likely benign (4). Last evaluated 2026-05-21.

Conditions:
INF2-related disorder. Also called: INF2-related condition.
Inborn genetic diseases. Identifiers: MedGen C0950123, MeSH D030342.
Charcot-Marie-Tooth disease dominant intermediate E. Also called: CHARCOT-MARIE-TOOTH NEUROPATHY WITH FOCAL SEGMENTAL GLOMERULONEPHRITIS. Identifiers: Orphanet 93114, MedGen C4302667, MONDO:0013758, OMIM 614455.
Focal segmental glomerulosclerosis 5 (FSGS5). Identifiers: Orphanet 656, MedGen C2750475, MONDO:0013191, OMIM 613237.

Allele frequency attached by ClinVar (database versions not stated): gnomAD exomes 0.00009 and 0.00015; gnomAD 0.00012 and 0.00013; 1000 Genomes Project 0.00040.
gnomAD v4.1: 138 of 973,054 alleles (0.014%); highest among the groups gnomAD compares: Non-Finnish European, 0.02%; no homozygotes.

Submissions (6):

PreventionGenetics, part of Exact Sciences
Classification: Uncertain significance for INF2-related condition. Last evaluated: 2026-05-21. Review status: criteria provided, single submitter. Criteria: ACMG Guidelines, 2015. Collection method: clinical testing. Allele origin: germline.
Comment: The INF2 c.1360C>T variant is predicted to result in the amino acid substitution p.Leu454Phe. To our knowledge, this variant has not been reported in the literature. This variant is reported in 0.015% of alleles in individuals of European (non-Finnish) descent in gnomAD. At this time, the clinical significance of this variant is uncertain due to the absence of conclusive functional and genetic evidence.

Labcorp Genetics (formerly Invitae), Labcorp
Classification: Likely benign for Charcot-Marie-Tooth disease dominant intermediate E; Focal segmental glomerulosclerosis 5. Last evaluated: 2025-11-21. Review status: criteria provided, single submitter. Criteria: Invitae Variant Classification Sherloc (09022015). Collection method: clinical testing. Allele origin: germline.

Ambry Genetics
Classification: Likely benign for Inborn genetic diseases. Last evaluated: 2024-12-10. Review status: criteria provided, single submitter. Criteria: Ambry Variant Classification Scheme 2023. Collection method: clinical testing. Allele origin: germline.

Blueprint Genetics
Classification: Likely benign. Last evaluated: 2021-11-18. Review status: criteria provided, single submitter. Criteria: ACMG Guidelines, 2015. Collection method: clinical testing. Allele origin: germline.

GeneDx
Classification: Likely benign. Last evaluated: 2020-10-29. Review status: criteria provided, single submitter. Criteria: GeneDx Variant Classification Process June 2021. Collection method: clinical testing. Allele origin: germline. Affected: yes.

Illumina Laboratory Services, Illumina
Classification: Benign for Focal segmental glomerulosclerosis 5. Last evaluated: 2018-01-13. Review status: criteria provided, single submitter. Criteria: ICSL Variant Classification Criteria 13 December 2019. Collection method: clinical testing. Allele origin: germline.
Comment: This variant was observed in the ICSL laboratory as part of a predisposition screen in an ostensibly healthy population. It had not been previously curated by ICSL or reported in the Human Gene Mutation Database (HGMD: prior to June 1st, 2018), and was therefore a candidate for classification through an automated scoring system. Utilizing variant allele frequency, disease prevalence and penetrance estimates, and inheritance mode, an automated score was calculated to assess if this variant is too frequent to cause the disease. Based on the score and internal cut-off values, a variant classified as benign is not then subjected to further curation. The score for this variant resulted in a classification of benign for this disease.

NM_022489.4(INF2):c.1360C>T (p.Leu454Phe)

Gene: INF2 (inverted formin 2; plus strand). Cytogenetic location: 14q32.33.
Variant type: single nucleotide variant.
Coding change: c.1360C>T on transcript NM_022489.4 (MANE Select); coding-DNA position 1360, C replaced by T.
Protein change: p.Leu454Phe; replaces leucine 454 with phenylalanine.
Molecular consequence: missense variant.
Genome position (GRCh38, 1-based): chr14:104,707,627, C>T. VCF-style: chr14-104707627-C-T. GRCh37 (hg19) VCF-style: chr14-105173964-C-T.
Other names: c.1360C>T, p.Leu454Phe (NM_001031714.4); short protein forms L454F.
Identifiers: ClinVar variation 246526 (VCV000246526.18), dbSNP rs545495465, ClinGen allele CA10584484.